The following is an entry in ClinVar:

NM_015559.3(SETBP1):c.1654G>A (p.Asp552Asn)

Gene: SETBP1 (SET binding protein 1; plus strand). Cytogenetic location: 18q12.3.
Variant type: single nucleotide variant.
Coding change: c.1654G>A on transcript NM_015559.3 (MANE Select); coding-DNA position 1654, G replaced by A.
Protein change: p.Asp552Asn; replaces aspartic acid 552 with asparagine.
Molecular consequence: missense variant.
Genome position (GRCh38, 1-based): chr18:44,950,994, G>A. VCF-style: chr18-44950994-G-A. GRCh37 (hg19) VCF-style: chr18-42530959-G-A.
Other names: c.1654G>A, p.Asp552Asn (NM_001379141.1, NM_001379142.1, NM_001410862.1); short protein forms D552N.
Identifiers: ClinVar variation 2198743 (VCV002198743.4), dbSNP rs775952461, ClinGen allele CA8945655.

ClinVar aggregate classification (germline): Uncertain significance (1 of 4 stars; one submission).

Allele frequency attached by ClinVar (database versions not stated): gnomAD exomes below 0.00001; TOPMed below 0.00001; ExAC 0.00001; gnomAD 0.00001.
gnomAD v4.1: 8 of 1,613,902 alleles (0.0005%); highest among the groups gnomAD compares: Non-Finnish European, 0.00059%; no homozygotes.

Submission:

Labcorp Genetics (formerly Invitae), Labcorp
Classification: Uncertain significance. Last evaluated: 2022-08-23. Review status: criteria provided, single submitter. Criteria: Invitae Variant Classification Sherloc (09022015). Collection method: clinical testing. Allele origin: germline.
Comment: Algorithms developed to predict the effect of missense changes on protein structure and function are either unavailable or do not agree on the potential impact of this missense change (SIFT: "Deleterious"; PolyPhen-2: "Benign"; Align-GVGD: "Class C0"). In summary, the available evidence is currently insufficient to determine the role of this variant in disease. Therefore, it has been classified as a Variant of Uncertain Significance. This variant has not been reported in the literature in individuals affected with SETBP1-related conditions. This variant is present in population databases (rs775952461, gnomAD 0.0009%). This sequence change replaces aspartic acid, which is acidic and polar, with asparagine, which is neutral and polar, at codon 552 of the SETBP1 protein (p.Asp552Asn).